The following is an entry in ClinVar:

NM_004656.4(BAP1):c.395G>T (p.Gly132Val)

Gene: BAP1 (BRCA1 associated deubiquitinase 1; minus strand). Cytogenetic location: 3p21.1.
Variant type: single nucleotide variant.
Coding change: c.395G>T on transcript NM_004656.4 (MANE Select); coding-DNA position 395, G replaced by T.
Protein change: p.Gly132Val; replaces glycine 132 with valine.
Molecular consequence: missense variant.
Genome position (GRCh38, 1-based): chr3:52,407,441, C>A on the plus strand (G>T on the coding strand, the complement: BAP1 is on the minus strand). VCF-style: chr3-52407441-C-A. GRCh37 (hg19) VCF-style: chr3-52441457-C-A.
Other names: c.395G>T, p.Gly132Val (NM_001410772.1); short protein forms G132V.
Identifiers: ClinVar variation 3224466 (VCV003224466.1), dbSNP rs2153227964, ClinGen allele CA353111111.
Genomic context (GRCh38, chr3:52,407,441, plus strand): 5'-CCCACAGCTCCCACACACCTGGCATGGCTATTATGGGCCTTGGCCAACTCCGGGGCATTG[C>A]CAATCGCATATCCTTTGCTCTACGGGGAAGAAAATAAGGCCGTATCAGAATAATTTCTCC-3'
Protein context (NP_004647.1, residues 122-142): FSPESKGYAI[Gly132Val]NAPELAKAHN

ClinVar aggregate classification (germline): Uncertain significance (1 of 4 stars; one submission).

Conditions:
Hereditary cancer-predisposing syndrome. Also called: Tumor predisposition; Hereditary neoplastic syndrome; Hereditary Cancer Syndrome; Neoplastic Syndromes, Hereditary. Identifiers: Orphanet 140162, MedGen C0027672, MeSH D009386, MONDO:0015356.

Submission:

Ambry Genetics
Classification: Uncertain significance for Hereditary cancer-predisposing syndrome. Last evaluated: 2023-10-12. Review status: criteria provided, single submitter. Criteria: Ambry Variant Classification Scheme 2023. Collection method: clinical testing. Allele origin: germline.
Comment: The p.G132V variant (also known as c.395G>T), located in coding exon 6 of the BAP1 gene, results from a G to T substitution at nucleotide position 395. The glycine at codon 132 is replaced by valine, an amino acid with dissimilar properties. This amino acid position is conserved. In addition, this alteration is predicted to be deleterious by in silico analysis. Since supporting evidence is limited at this time, the clinical significance of this alteration remains unclear.